The following is an entry in ClinVar:

ClinVar aggregate classification (germline): Uncertain significance (1 of 4 stars; one submission).

Conditions:
Progressive myoclonic epilepsy type 7. Identifiers: Orphanet 435438, MedGen C4015420, MONDO:0014521, OMIM 616187.

Submission:

Labcorp Genetics (formerly Invitae), Labcorp
Classification: Uncertain significance for Progressive myoclonic epilepsy type 7. Last evaluated: 2024-05-02. Review status: criteria provided, single submitter. Criteria: Invitae Variant Classification Sherloc (09022015). Collection method: clinical testing. Allele origin: germline.
Comment: This sequence change replaces glycine, which is neutral and non-polar, with valine, which is neutral and non-polar, at codon 95 of the KCNC1 protein (p.Gly95Val). This variant is not present in population databases (gnomAD no frequency). This variant has not been reported in the literature in individuals affected with KCNC1-related conditions. Advanced modeling of protein sequence and biophysical properties (such as structural, functional, and spatial information, amino acid conservation, physicochemical variation, residue mobility, and thermodynamic stability) performed at Invitae indicates that this missense variant is expected to disrupt KCNC1 protein function with a positive predictive value of 80%. In summary, the available evidence is currently insufficient to determine the role of this variant in disease. Therefore, it has been classified as a Variant of Uncertain Significance.

NM_001112741.2(KCNC1):c.284G>T (p.Gly95Val)

Gene: KCNC1 (potassium voltage-gated channel subfamily C member 1; plus strand). Cytogenetic location: 11p15.1.
Variant type: single nucleotide variant.
Coding change: c.284G>T on transcript NM_001112741.2 (MANE Select); coding-DNA position 284, G replaced by T.
Protein change: p.Gly95Val; replaces glycine 95 with valine.
Molecular consequence: missense variant.
Genome position (GRCh38, 1-based): chr11:17,736,286, G>T. VCF-style: chr11-17736286-G-T. GRCh37 (hg19) VCF-style: chr11-17757833-G-T.
Other names: c.284G>T, p.Gly95Val (NM_004976.4); short protein forms G95V.
Identifiers: ClinVar variation 3650892 (VCV003650892.2).